The following is an entry in ClinVar:

ClinVar aggregate classification (germline): Likely pathogenic. Review status: criteria provided, multiple submitters, no conflicts (2 of 4 stars). 2 submissions from 2 submitters: Likely pathogenic (2). Last evaluated 2025-08-11.

Conditions:
Dilated cardiomyopathy 1G (CMD1G). Identifiers: Orphanet 154, MedGen C1858763, MONDO:0011400, OMIM 604145.
Autosomal recessive limb-girdle muscular dystrophy type 2J (LGMDR10). Also called: Limb-girdle muscular dystrophy, type 2J; MUSCULAR DYSTROPHY, LIMB-GIRDLE, AUTOSOMAL RECESSIVE 10. Identifiers: Orphanet 140922, MedGen C1837342, MONDO:0012127, OMIM 608807.

Submissions (2):

GeneDx
Classification: Likely pathogenic. Last evaluated: 2025-08-11. Review status: criteria provided, single submitter. Criteria: GeneDx Variant Classification Process June 2021. Collection method: clinical testing. Allele origin: germline. Affected: yes.
Comment: Has not been previously published as pathogenic or benign to our knowledge; Not observed at significant frequency in large population cohorts (gnomAD); Canonical splice site variant expected to result in aberrant splicing, although in the absence of functional evidence the actual effect of this sequence change is unknown.; This variant is associated with the following publications: (PMID: 22335739, 32778822)

Labcorp Genetics (formerly Invitae), Labcorp
Classification: Likely pathogenic for Dilated cardiomyopathy 1G; Autosomal recessive limb-girdle muscular dystrophy type 2J. Last evaluated: 2023-05-31. Review status: criteria provided, single submitter. Criteria: Invitae Variant Classification Sherloc (09022015). Collection method: clinical testing. Allele origin: germline.
Comment: In summary, the currently available evidence indicates that the variant is pathogenic, but additional data are needed to prove that conclusively. Therefore, this variant has been classified as Likely Pathogenic. This variant is located in the A band of TTN (PMID: 25589632). Truncating variants in this region are significantly overrepresented in patients affected with dilated cardiomyopathy (PMID: 25589632). Truncating variants in this region have also been reported in individuals affected with autosomal recessive centronuclear myopathy (PMID: 23975875). Algorithms developed to predict the effect of sequence changes on RNA splicing suggest that this variant may disrupt the consensus splice site. This variant has not been reported in the literature in individuals affected with TTN-related conditions. This variant is not present in population databases (gnomAD no frequency). This sequence change affects a splice site in intron 326 of the TTN gene. It is expected to disrupt RNA splicing and likely results in a truncated or disrupted TTN protein.

Literature cited by the submitters: PubMed 25589632 (cited by Labcorp Genetics (formerly Invitae), Labcorp); PubMed 23975875 (cited by Labcorp Genetics (formerly Invitae), Labcorp).

NM_001267550.2(TTN):c.86822-1del

Genes: TTN (titin; minus strand), TTN-AS1 (TTN antisense RNA 1; plus strand). Cytogenetic location: 2q31.2.
Variant type: Deletion.
Coding change: c.86822-1del on transcript NM_001267550.2 (MANE Select); the canonical splice acceptor site of the intron before coding-DNA position 86822, one base deleted (G; older notation c.86822-1delG).
Molecular consequence: splice acceptor variant.
Genome position (GRCh38, 1-based): chr2:178,558,638, C deleted on the plus strand (G on the coding strand, the reverse complement: TTN is on the minus strand). VCF-style (leftmost placement, unchanged base first): chr2-178558637-TC-T. GRCh37 (hg19) VCF-style: chr2-179423364-TC-T.
Other names: c.59627-1del (NM_003319.4); c.60203-1del (NM_133437.4); c.60002-1del (NM_133432.3); c.79118-1del (NM_133378.4); c.81899-1del (NM_001256850.1).
Identifiers: ClinVar variation 2945123 (VCV002945123.3), dbSNP rs2469577182, ClinGen allele CA2740096010.